The following is an entry in ClinVar:

ClinVar aggregate classification (germline): Conflicting classifications of pathogenicity. Review status: criteria provided, conflicting classifications (1 of 4 stars). 5 submissions from 5 submitters: Uncertain significance (4); Likely benign (1). Last evaluated 2026-01-09.

Conditions:
Ullrich congenital muscular dystrophy 2 (UCMD2). Identifiers: Orphanet 75840, MedGen C4225314, MONDO:0014654, OMIM 616470.
Bethlem myopathy 2 (BTHLM2). Identifiers: Orphanet 536516, Orphanet 610, MedGen C4225313, MONDO:0034022, OMIM 616471.

Allele frequency attached by ClinVar (database versions not stated): gnomAD 0.00004 and 0.00005; gnomAD exomes 0.00007 and 0.00009; ESP Exome Variant Server 0.00008; TOPMed 0.00009; ExAC 0.00011; 1000 Genomes Project 0.00060; 1000 Genomes Project 30x 0.00078.

Submissions (5):

Women's Health and Genetics/Laboratory Corporation of America, LabCorp
Classification: Uncertain significance. Last evaluated: 2026-01-09. Review status: criteria provided, single submitter. Criteria: LabCorp Variant Classification Summary - May 2015. Collection method: clinical testing. Allele origin: germline.
Comment: Variant summary: COL12A1 c.4798T>C (p.Tyr1600His) results in a conservative amino acid change in the encoded protein sequence. Algorithms developed to predict the effect of missense changes on protein structure and function are either unavailable or do not agree on the potential impact of this missense change. The variant allele was found at a frequency of 8.8e-05 in 249128 control chromosomes. This frequency is not significantly higher than estimated for disease-causing variants in COL12A1, allowing no conclusion about variant significance. To our knowledge, no occurrence of c.4798T>C in individuals affected with COL12A1-related conditions and no experimental evidence demonstrating its impact on protein function have been reported. ClinVar contains an entry for this variant (Variation ID: 391494). Based on the evidence outlined above, the variant was classified as uncertain significance.

Labcorp Genetics (formerly Invitae), Labcorp
Classification: Likely benign for Bethlem myopathy 2; Ullrich congenital muscular dystrophy 2. Last evaluated: 2025-10-01. Review status: criteria provided, single submitter. Criteria: Invitae Variant Classification Sherloc (09022015). Collection method: clinical testing. Allele origin: germline.

GeneDx
Classification: Uncertain significance. Last evaluated: 2024-04-11. Review status: criteria provided, single submitter. Criteria: GeneDx Variant Classification Process June 2021. Collection method: clinical testing. Allele origin: germline. Affected: yes.
Comment: Has not been previously published as pathogenic or benign to our knowledge; In silico analysis supports that this missense variant has a deleterious effect on protein structure/function

Revvity Omics, Revvity
Classification: Uncertain significance. Last evaluated: 2022-01-15. Review status: criteria provided, single submitter. Criteria: ACMG Guidelines, 2015. Collection method: clinical testing. Allele origin: germline.

CeGaT Center for Human Genetics Tuebingen
Classification: Uncertain significance. Last evaluated: 2020-08-01. Review status: criteria provided, single submitter. Criteria: CeGaT Center For Human Genetics Tuebingen Variant Classification Criteria Version 2. Collection method: clinical testing. Allele origin: germline. Affected: yes. Observed: 1 variant allele.

NM_004370.6(COL12A1):c.4798T>C (p.Tyr1600His)

Gene: COL12A1 (collagen type XII alpha 1 chain; minus strand). Cytogenetic location: 6q13.
Variant type: single nucleotide variant.
Coding change: c.4798T>C on transcript NM_004370.6 (MANE Select); coding-DNA position 4798, T replaced by C.
Protein change: p.Tyr1600His; replaces tyrosine 1600 with histidine.
Molecular consequence: missense variant.
Genome position (GRCh38, 1-based): chr6:75,143,281, A>G on the plus strand (T>C on the coding strand, the complement: COL12A1 is on the minus strand). VCF-style: chr6-75143281-A-G. GRCh37 (hg19) VCF-style: chr6-75852997-A-G.
Other names: c.1306T>C, p.Tyr436His (NM_080645.3); short protein forms Y1600H, Y436H.
Identifiers: ClinVar variation 391494 (VCV000391494.57), dbSNP rs180718181, ClinGen allele CA3893347.